The following is an entry in ClinVar:

NM_000465.4(BARD1):c.1539dup (p.Leu514fs)

Gene: BARD1 (BRCA1 associated RING domain 1; minus strand). Cytogenetic location: 2q35.
Variant type: Duplication.
Coding change: c.1539dup on transcript NM_000465.4 (MANE Select); coding-DNA position 1539, one base duplicated (A; older notation c.1539dupA).
Protein change: p.Leu514fs; shifts the reading frame from leucine 514.
Molecular consequence: frameshift variant. On other transcripts: non-coding transcript variant (3), intron variant (3).
Genome position (GRCh38, 1-based): chr2:214,767,511, T duplicated on the plus strand (A on the coding strand, the reverse complement: BARD1 is on the minus strand). VCF-style (leftmost placement, unchanged base first): chr2-214767510-G-GT. GRCh37 (hg19) VCF-style: chr2-215632234-G-GT.
Other names: c.1482dup, p.Leu495fs (NM_001282543.2); c.159-14956dup (NM_001282548.2); c.216-14956dup (NM_001282545.2); c.364+24786dup (NM_001282549.2); short protein forms L495fs, L514fs.
Identifiers: ClinVar variation 1774775 (VCV001774775.2), dbSNP rs1559409580, ClinGen allele CA539837291.
Genomic context (GRCh38, chr2:214,767,510, plus strand): 5'-TTTAAAAATAATTTTTACGTTGAACTACTTACACAGCATTTCTGGAGGCTCCATAGGAAA[G>GT]TAACAGCTTGACTATATCCACATGCCCATTCTTGGCTGCATCGTGAAGTGGTGAGTCATT-3'

ClinVar aggregate classification (germline): Pathogenic (1 of 4 stars; one submission).

Conditions:
Hereditary cancer-predisposing syndrome. Also called: Hereditary Cancer Syndrome; Hereditary neoplastic syndrome; Neoplastic Syndromes, Hereditary; Tumor predisposition. Identifiers: Orphanet 140162, MedGen C0027672, MeSH D009386, MONDO:0015356.

Submission:

Ambry Genetics
Classification: Pathogenic for Hereditary cancer-predisposing syndrome. Last evaluated: 2021-03-29. Review status: criteria provided, single submitter. Criteria: Ambry Variant Classification Scheme 2023. Collection method: clinical testing. Allele origin: germline.
Comment: The c.1539dupA pathogenic mutation, located in coding exon 6 of the BARD1 gene, results from a duplication of A at nucleotide position 1539, causing a translational frameshift with a predicted alternate stop codon (p.L514Tfs*11). This alteration is expected to result in loss of function by premature protein truncation or nonsense-mediated mRNA decay. As such, this alteration is interpreted as a disease-causing mutation.